The following is an entry in ClinVar:

ClinVar aggregate classification (germline): Uncertain significance (1 of 4 stars; one submission).

Submission:

GeneDx
Classification: Uncertain significance. Last evaluated: 2019-11-08. Review status: criteria provided, single submitter. Criteria: GeneDx Variant Classification Process June 2021. Collection method: clinical testing. Allele origin: germline. Affected: yes.
Comment: Not observed in large population cohorts (Lek et al., 2016); In silico analysis, which includes protein predictors and evolutionary conservation, supports a deleterious effect; Has not been previously published as pathogenic or benign to our knowledge

NM_001348323.3(TRIP12):c.1112C>G (p.Thr371Arg)

Gene: TRIP12 (thyroid hormone receptor interactor 12; minus strand). Cytogenetic location: 2q36.3.
Variant type: single nucleotide variant.
Coding change: c.1112C>G on transcript NM_001348323.3 (MANE Select); coding-DNA position 1112, C replaced by G.
Protein change: p.Thr371Arg; replaces threonine 371 with arginine.
Molecular consequence: missense variant. On other transcripts: intron variant (1).
Genome position (GRCh38, 1-based): chr2:229,840,843, G>C on the plus strand (C>G on the coding strand, the complement: TRIP12 is on the minus strand). VCF-style: chr2-229840843-G-C. GRCh37 (hg19) VCF-style: chr2-230705559-G-C.
Other names: c.1112C>G, p.Thr371Arg (NM_001284214.2, NM_001348315.2, NM_001348319.1 and 13 more transcripts); c.986C>G, p.Thr329Arg (NM_001284215.2, NM_001348316.2, NM_001348317.1 and 3 more transcripts); c.1025C>G, p.Thr342Arg (NM_001348332.1, NM_001348334.1); c.99-3859C>G (NM_001284216.2); short protein forms T329R, T342R, T371R.
Identifiers: ClinVar variation 1309902 (VCV001309902.2), dbSNP rs2154310394, ClinGen allele CA350886242.